The following is an entry in ClinVar:

NM_058216.3(RAD51C):c.115C>G (p.Leu39Val)

Gene: RAD51C (RAD51 paralog C; plus strand). Cytogenetic location: 17q22.
Variant type: single nucleotide variant.
Coding change: c.115C>G on transcript NM_058216.3 (MANE Select); coding-DNA position 115, C replaced by G.
Protein change: p.Leu39Val; replaces leucine 39 with valine.
Molecular consequence: missense variant. On other transcripts: non-coding transcript variant (1).
Genome position (GRCh38, 1-based): chr17:58,692,758, C>G. VCF-style: chr17-58692758-C-G. GRCh37 (hg19) VCF-style: chr17-56770119-C-G.
Other names: c.115C>G, p.Leu39Val (NM_002876.4); short protein forms L39V.
Identifiers: ClinVar variation 185535 (VCV000185535.27), dbSNP rs759149207, ClinGen allele CA192210.

ClinVar aggregate classification (germline): Conflicting classifications of pathogenicity. Review status: criteria provided, conflicting classifications (1 of 4 stars). 7 submissions from 6 submitters: Uncertain significance (4); Benign (1). 2 of the submissions do not count toward it. Last evaluated 2026-01-21.

Conditions:
Hereditary cancer-predisposing syndrome. Also called: Tumor predisposition; Hereditary Cancer Syndrome; Hereditary neoplastic syndrome; Neoplastic Syndromes, Hereditary. Identifiers: Orphanet 140162, MedGen C0027672, MeSH D009386, MONDO:0015356.
Fanconi anemia complementation group O. Also called: RAD51C-Related Fanconi Anemia. Identifiers: Orphanet 84, MedGen C3150653, MONDO:0013248, OMIM 613390.
Breast-ovarian cancer, familial, susceptibility to, 3. Also called: RAD51C-Related Breast/Ovarian Cancer. Identifiers: Orphanet 145, MedGen C3150659, MONDO:0013253, OMIM 613399.

Allele frequency attached by ClinVar (database versions not stated): gnomAD 0.00001; TOPMed 0.00002.
gnomAD v4.1: 2 of 1,614,086 alleles (0.00012%); highest among the groups gnomAD compares: Non-Finnish European, 0.00017%; no homozygotes.

Submissions (7):

Labcorp Genetics (formerly Invitae), Labcorp
Classification: Uncertain significance for Fanconi anemia complementation group O. Last evaluated: 2026-01-21. Review status: criteria provided, single submitter. Criteria: Invitae Variant Classification Sherloc (09022015). Collection method: clinical testing. Allele origin: germline.
Comment: This sequence change replaces leucine, which is neutral and non-polar, with valine, which is neutral and non-polar, at codon 39 of the RAD51C protein (p.Leu39Val). This variant is present in population databases (rs759149207, gnomAD 0.0009%). This variant has not been reported in the literature in individuals affected with RAD51C-related conditions. ClinVar contains an entry for this variant (Variation ID: 185535). Invitae Evidence Modeling of protein sequence and biophysical properties (such as structural, functional, and spatial information, amino acid conservation, physicochemical variation, residue mobility, and thermodynamic stability) indicates that this missense variant is not expected to disrupt RAD51C protein function with a negative predictive value of 80%. In summary, the available evidence is currently insufficient to determine the role of this variant in disease. Therefore, it has been classified as a Variant of Uncertain Significance.

Ambry Genetics
Classification: Benign for Hereditary cancer-predisposing syndrome. Last evaluated: 2025-10-17. Review status: criteria provided, single submitter. Criteria: Ambry Variant Classification Scheme 2023. Collection method: clinical testing. Allele origin: germline.

GeneDx
Classification: Uncertain significance. Last evaluated: 2025-05-27. Review status: criteria provided, single submitter. Criteria: GeneDx Variant Classification Process June 2021. Collection method: clinical testing. Allele origin: germline. Affected: yes.
Comment: Not observed at significant frequency in large population cohorts (gnomAD); In silico analysis suggests that this missense variant does not alter protein structure/function; Has not been previously published as pathogenic or benign to our knowledge

Myriad Genetics, Inc.
Classification: Uncertain significance for Breast-ovarian cancer, familial, susceptibility to, 3. Last evaluated: 2023-04-05. Review status: criteria provided, single submitter. Criteria: Myriad Autosomal Dominant, Autosomal Recessive and X-Linked Classification Criteria (2023). Collection method: clinical testing. Allele origin: unknown.
Comment: This variant is classified as a variant of uncertain significance as there is insufficient evidence to determine its impact on protein function and/or cancer risk.

Color Diagnostics, LLC DBA Color Health
Classification: Uncertain significance for Hereditary cancer-predisposing syndrome. Last evaluated: 2021-12-17. Review status: criteria provided, single submitter. Criteria: ACMG Guidelines, 2015. Collection method: clinical testing. Allele origin: germline.
Comment: This missense variant replaces leucine with valine at codon 39 of the RAD51C protein. Computational prediction suggests that this variant may not impact protein structure and function (internally defined REVEL score threshold <= 0.5, PMID: 27666373). To our knowledge, functional studies have not been reported for this variant. This variant has not been reported in individuals affected with hereditary cancer in the literature. This variant has been identified in 1/251416 chromosomes in the general population by the Genome Aggregation Database (gnomAD). The available evidence is insufficient to determine the role of this variant in disease conclusively. Therefore, this variant is classified as a Variant of Uncertain Significance.

Counsyl
Classification: Uncertain significance for Fanconi anemia complementation group O. Last evaluated: 2016-07-08. Review status: no assertion criteria provided. Collection method: clinical testing. Allele origin: unknown. Not counted in ClinVar's aggregate classification.

Counsyl
Classification: Uncertain significance for Breast-ovarian cancer, familial, susceptibility to, 3. Last evaluated: 2016-07-08. Review status: no assertion criteria provided. Collection method: clinical testing. Allele origin: unknown. Not counted in ClinVar's aggregate classification.